The following is an entry in ClinVar:

NM_004667.6(HERC2):c.9113A>T (p.Gln3038Leu)

Gene: HERC2 (HECT and RLD domain containing E3 ubiquitin protein ligase 2; minus strand). Cytogenetic location: 15q13.1.
Variant type: single nucleotide variant.
Coding change: c.9113A>T on transcript NM_004667.6 (MANE Select); coding-DNA position 9113, A replaced by T.
Protein change: p.Gln3038Leu; replaces glutamine 3038 with leucine.
Molecular consequence: missense variant.
Genome position (GRCh38, 1-based): chr15:28,178,937, T>A on the plus strand (A>T on the coding strand, the complement: HERC2 is on the minus strand). VCF-style: chr15-28178937-T-A. GRCh37 (hg19) VCF-style: chr15-28424083-T-A.
Other names: c.9113A>T (NM_004667.5); short protein forms Q3038L.
Identifiers: ClinVar variation 2459322 (VCV002459322.3), dbSNP rs534398599, ClinGen allele CA7441262.

ClinVar aggregate classification (germline): Conflicting classifications of pathogenicity. Review status: criteria provided, conflicting classifications (1 of 4 stars). 2 submissions from 2 submitters: Uncertain significance (1); Likely benign (1). Last evaluated 2025-02-14.

Conditions:
Inborn genetic diseases. Identifiers: MedGen C0950123, MeSH D030342.

Allele frequency attached by ClinVar (database versions not stated): TOPMed below 0.00001; 1000 Genomes Project 0.00020; ExAC 0.00023; gnomAD 0.00002; gnomAD exomes 0.00008; 1000 Genomes Project 30x 0.00016.
gnomAD v4.1: 125 of 1,614,212 alleles (0.0077%); highest among the groups gnomAD compares: South Asian, 0.13%; 2 homozygotes.

Submissions (2):

GeneDx
Classification: Uncertain significance. Last evaluated: 2025-02-14. Review status: criteria provided, single submitter. Criteria: GeneDx Variant Classification Process June 2021. Collection method: clinical testing. Allele origin: germline. Affected: yes.
Comment: In silico analysis supports that this missense variant has a deleterious effect on protein structure/function; Has not been previously published as pathogenic or benign to our knowledge

Ambry Genetics
Classification: Likely benign for Inborn genetic diseases. Last evaluated: 2023-02-15. Review status: criteria provided, single submitter. Criteria: Ambry Variant Classification Scheme 2023. Collection method: clinical testing. Allele origin: germline.